The following is an entry in ClinVar:

NM_001366145.2(TRPM3):c.4729A>G (p.Arg1577Gly)

Genes: KLF9-DT (KLF9 divergent transcript; plus strand), TRPM3 (transient receptor potential cation channel subfamily M member 3; minus strand). Cytogenetic location: 9q21.12.
Variant type: single nucleotide variant.
Coding change: c.4729A>G on transcript NM_001366145.2 (MANE Select); coding-DNA position 4729, A replaced by G.
Protein change: p.Arg1577Gly; replaces arginine 1577 with glycine.
Molecular consequence: missense variant. On other transcripts: intron variant (8).
Genome position (GRCh38, 1-based): chr9:70,536,384, T>C on the plus strand (A>G on the coding strand, the complement: TRPM3 is on the minus strand). VCF-style: chr9-70536384-T-C. GRCh37 (hg19) VCF-style: chr9-73151300-T-C.
Other names: c.4693A>G, p.Arg1565Gly (NM_001007471.4); c.4699A>G, p.Arg1567Gly (NM_001366141.2, NM_001366149.2); c.4804A>G, p.Arg1602Gly (NM_001366147.2); c.4234A>G, p.Arg1412Gly (NM_020952.6); c.4270A>G, p.Arg1424Gly (NM_024971.7); c.4204A>G, p.Arg1402Gly (NM_206944.5); c.4240A>G, p.Arg1414Gly (NM_206945.5); c.4309A>G, p.Arg1437Gly (NM_206946.5); and 9 more; short protein forms R1402G, R1412G, R1414G, R1424G, R1427G, R1437G, R1565G, R1567G.
Identifiers: ClinVar variation 3901457 (VCV003901457.1).
Genomic context (GRCh38, chr9:70,536,384, plus strand): 5'-CTGGATGGCAGCAAGTTAAGTCCTCCACTTTGTCTCCAAGACCTCCAGGGAAGGCAGCTC[T>C]GTCCGCAATTGCTTGAGGGGCATTGACACACCTTGTGTCAATACAGTCTGTAATACTTGT-3'
Protein context (NP_001353074.1, residues 1567-1587): CVNAPQAIAD[Arg1577Gly]AAFPGGLGDK

ClinVar aggregate classification (germline): Uncertain significance (1 of 4 stars; one submission).

gnomAD v4.1: 7 of 1,614,142 alleles (0.00043%); highest among the groups gnomAD compares: Middle Eastern, 0.033%; 1 homozygote.

Submission:

GeneDx
Classification: Uncertain significance. Last evaluated: 2024-12-07. Review status: criteria provided, single submitter. Criteria: GeneDx Variant Classification Process June 2021. Collection method: clinical testing. Allele origin: germline. Affected: yes.
Comment: Not observed at significant frequency in large population cohorts (gnomAD); In silico analysis indicates that this missense variant does not alter protein structure/function; Has not been previously published as pathogenic or benign to our knowledge